The following is an entry in ClinVar:

ClinVar aggregate classification (germline): Benign (1 of 4 stars; one submission).

Conditions:
Amyotrophic lateral sclerosis type 6. Also called: FUS-Related Amyotrophic Laterial Sclerosis; AMYOTROPHIC LATERAL SCLEROSIS 6 WITHOUT FRONTOTEMPORAL DEMENTIA; Amyotrophic lateral sclerosis 6, with or without frontotemporal dementia. Identifiers: Orphanet 275872, Orphanet 803, MedGen C2931786, MONDO:0011951, OMIM 608030.

Allele frequency attached by ClinVar (database versions not stated): ExAC 0.00065; gnomAD 0.00863 and 0.00804; 1000 Genomes Project 30x 0.00921; gnomAD exomes 0.00101 and 0.00155; 1000 Genomes Project 0.00759; TOPMed 0.00902.
gnomAD v4.1: 1,615 of 532,886 alleles (0.3%); highest among the groups gnomAD compares: African/African-American, 2.8%; 31 homozygotes.

Submission:

Illumina Laboratory Services, Illumina
Classification: Benign for Amyotrophic lateral sclerosis type 6. Last evaluated: 2018-01-13. Review status: criteria provided, single submitter. Criteria: ICSL Variant Classification Criteria 13 December 2019. Collection method: clinical testing. Allele origin: germline.
Comment: This variant was observed in the ICSL laboratory as part of a predisposition screen in an ostensibly healthy population. It had not been previously curated by ICSL or reported in the Human Gene Mutation Database (HGMD: prior to June 1st, 2018), and was therefore a candidate for classification through an automated scoring system. Utilizing variant allele frequency, disease prevalence and penetrance estimates, and inheritance mode, an automated score was calculated to assess if this variant is too frequent to cause the disease. Based on the score and internal cut-off values, a variant classified as benign is not then subjected to further curation. The score for this variant resulted in a classification of benign for this disease.

NM_004960.3(FUS):c.*626G>A

Gene: FUS (FUS DNA/RNA binding protein; plus strand). Cytogenetic location: 16p11.2.
Variant type: single nucleotide variant.
Coding change: c.*626G>A on transcript NM_004960.3; 626 bases downstream of the stop codon, G replaced by A.
Molecular consequence: 3 prime UTR variant (on NM_001170634.1). On other transcripts: non-coding transcript variant (1).
Genome position (GRCh38, 1-based): chr16:31,192,064, G>A. VCF-style: chr16-31192064-G-A. GRCh37 (hg19) VCF-style: chr16-31203385-G-A.
Other names: c.*626G>A (NM_001170634.1, NM_001170937.1).
Identifiers: ClinVar variation 319002 (VCV000319002.7), dbSNP rs115626460, ClinGen allele CA8024199.